The following is an entry in ClinVar:

NM_018975.4(TERF2IP):c.908A>T (p.Glu303Val)

Gene: TERF2IP (TERF2 interacting protein; plus strand). Cytogenetic location: 16q23.1.
Variant type: single nucleotide variant.
Coding change: c.908A>T on transcript NM_018975.4 (MANE Select); coding-DNA position 908, A replaced by T.
Protein change: p.Glu303Val; replaces glutamic acid 303 with valine.
Molecular consequence: missense variant. On other transcripts: non-coding transcript variant (1).
Genome position (GRCh38, 1-based): chr16:75,656,319, A>T. VCF-style: chr16-75656319-A-T. GRCh37 (hg19) VCF-style: chr16-75690217-A-T.
Other names: short protein forms E303V.
Identifiers: ClinVar variation 4727337 (VCV004727337.1).

ClinVar aggregate classification (germline): Uncertain significance (1 of 4 stars; one submission).

gnomAD v4.1: 1 of 1,614,088 alleles (0.000062%); highest among the groups gnomAD compares: East Asian, 0.0022%; no homozygotes.

Submission:

Labcorp Genetics (formerly Invitae), Labcorp
Classification: Uncertain significance. Last evaluated: 2025-09-16. Review status: criteria provided, single submitter. Criteria: Invitae Variant Classification Sherloc (09022015). Collection method: clinical testing. Allele origin: germline.
Comment: This sequence change replaces glutamic acid, which is acidic and polar, with valine, which is neutral and non-polar, at codon 303 of the TERF2IP protein (p.Glu303Val). This variant is present in population databases (no rsID available, gnomAD 0.06%). This variant has not been reported in the literature in individuals affected with TERF2IP-related conditions. An algorithm developed to predict the effect of missense changes on protein structure and function (PolyPhen-2) suggests that this variant is likely to be disruptive. In summary, the available evidence is currently insufficient to determine the role of this variant in disease. Therefore, it has been classified as a Variant of Uncertain Significance.